The following is an entry in ClinVar:

ClinVar aggregate classification (germline): Benign/Likely benign. Review status: criteria provided, multiple submitters, no conflicts (2 of 4 stars). 2 submissions from 2 submitters: Benign (1); Likely benign (1). Last evaluated 2024-05-01.

Conditions:
Hereditary cancer-predisposing syndrome. Also called: Neoplastic Syndromes, Hereditary; Tumor predisposition; Hereditary Cancer Syndrome; Hereditary neoplastic syndrome. Identifiers: Orphanet 140162, MedGen C0027672, MeSH D009386, MONDO:0015356.
Familial cancer of breast. Also called: BREAST CANCER, FAMILIAL; Hereditary breast cancer; hereditary breast carcinoma. Identifiers: Orphanet 227535, MedGen C0346153, MONDO:0016419, OMIM 114480. Disease mechanism: loss of function.

Submissions (2):

Myriad Genetics, Inc.
Classification: Benign for Familial cancer of breast. Last evaluated: 2024-05-01. Review status: criteria provided, single submitter. Criteria: Myriad Autosomal Dominant, Autosomal Recessive and X-Linked Classification Criteria (2023). Collection method: clinical testing. Allele origin: unknown.
Comment: This variant is considered benign. This variant is a silent/synonymous amino acid change and it is not expected to impact splicing.

Ambry Genetics
Classification: Likely benign for Hereditary cancer-predisposing syndrome. Last evaluated: 2021-10-10. Review status: criteria provided, single submitter. Criteria: Ambry Variant Classification Scheme 2023. Collection method: clinical testing. Allele origin: germline.

NM_000051.4(ATM):c.1761T>C (p.Gly587=)

Gene: ATM (ATM serine/threonine kinase; plus strand). Cytogenetic location: 11q22.3.
Variant type: single nucleotide variant.
Coding change: c.1761T>C on transcript NM_000051.4 (MANE Select); coding-DNA position 1761, T replaced by C.
Protein change: p.Gly587=; no amino-acid change (glycine 587 retained).
Molecular consequence: synonymous variant.
Genome position (GRCh38, 1-based): chr11:108,251,990, T>C. VCF-style: chr11-108251990-T-C. GRCh37 (hg19) VCF-style: chr11-108122717-T-C.
Other names: c.1761T>C, p.Gly587= (NM_001351834.2).
Identifiers: ClinVar variation 1779596 (VCV001779596.3), dbSNP rs2135343429, ClinGen allele CA476672182.